The following is an entry in ClinVar:

ClinVar aggregate classification (germline): Uncertain significance (1 of 4 stars; one submission).

Submission:

Medical Genetic Center, Changzhi Maternal and Child Health Care Hospital
Classification: Uncertain significance. Last evaluated: 2025-12-10. Review status: criteria provided, single submitter. Criteria: ACMG/ClinGen CNV Guidelines, 2019. Collection method: clinical testing. Allele origin: unknown.

GRCh38/hg38 6q21(chr6:105106749-105220179)x1

Genes: POPDC1 (popeye domain cAMP effector 1; minus strand), POPDC1-AS1 (POPDC1 antisense RNA 1; plus strand), POPDC3 (popeye domain cAMP effector 3; minus strand), LOC129389595 (MPRA-validated peak5993 silencer; plus strand), LOC129996887 (ATAC-STARR-seq lymphoblastoid silent region 17426; plus strand) and 1 more. Cytogenetic location: 6q21.
Variant type: copy number loss.
Change: copy number 1 (one copy instead of two) of chr6:105,106,749-105,220,179 (113.4 kb, GRCh38 coordinates, 1-based), cytogenetic band 6q21.
Identifiers: ClinVar variation 4796370 (VCV004796370.1).